The following is an entry in ClinVar:

NM_201384.3(PLEC):c.7862C>G (p.Ala2621Gly)

Gene: PLEC (plectin; minus strand). Cytogenetic location: 8q24.3.
Variant type: single nucleotide variant.
Coding change: c.7862C>G on transcript NM_201384.3 (MANE Select); coding-DNA position 7862, C replaced by G.
Protein change: p.Ala2621Gly; replaces alanine 2621 with glycine.
Molecular consequence: missense variant.
Genome position (GRCh38, 1-based): chr8:143,921,959, G>C on the plus strand (C>G on the coding strand, the complement: PLEC is on the minus strand). VCF-style: chr8-143921959-G-C. GRCh37 (hg19) VCF-style: chr8-144996127-G-C.
Other names: c.7862C>G, p.Ala2621Gly (NM_201382.4); c.7874C>G, p.Ala2625Gly (NM_201383.3); c.7943C>G, p.Ala2648Gly (NM_000445.5); c.4562C>G, p.Ala1521Gly (NM_001410941.1); c.7820C>G, p.Ala2607Gly (NM_201378.4); c.7796C>G, p.Ala2599Gly (NM_201379.3); c.8273C>G, p.Ala2758Gly (NM_201380.4); c.7766C>G, p.Ala2589Gly (NM_201381.3); short protein forms A2625G, A2758G, A1521G, A2599G, A2648G, A2589G, A2607G, A2621G.
Identifiers: ClinVar variation 2952162 (VCV002952162.3), dbSNP rs1822921749, ClinGen allele CA372521542.

ClinVar aggregate classification (germline): Uncertain significance (1 of 4 stars; one submission).

Conditions:
Epidermolysis bullosa simplex with nail dystrophy (EBS5D). Identifiers: MedGen C4225309, MONDO:0014661, OMIM 616487.
Autosomal recessive limb-girdle muscular dystrophy type 2Q (LGMDR17). Also called: MUSCULAR DYSTROPHY, LIMB-GIRDLE, AUTOSOMAL RECESSIVE 17. Identifiers: Orphanet 254361, MedGen C3150989, MONDO:0013390, OMIM 613723.
Epidermolysis bullosa simplex 5C, with pyloric atresia (EBS5C). Also called: PLEC1-Related Epidermolysis Bullosa with Pyloric Atresia; PLEC-Related Epidermolysis Bullosa with Pyloric Atresia; Epidermolysis bullosa simplex with pyloric atresia. Identifiers: Orphanet 158684, MedGen C2677349, MONDO:0012807, OMIM 612138.
Epidermolysis bullosa simplex 5B, with muscular dystrophy (EBS5B). Also called: Epidermolysis bullosa simplex with muscular dystrophy; EPIDERMOLYSIS BULLOSA SIMPLEX AND LIMB-GIRDLE MUSCULAR DYSTROPHY. Identifiers: Orphanet 257, MedGen C2931072, MONDO:0009181, OMIM 226670.
Epidermolysis bullosa simplex, Ogna type (EBS5A). Also called: EPIDERMOLYSIS BULLOSA SIMPLEX 5A, OGNA TYPE; Pidermolysis bullosa simplex 5A, Ogna type. Identifiers: Orphanet 79401, MedGen C0432317, MONDO:0007555, OMIM 131950.

Submission:

Labcorp Genetics (formerly Invitae), Labcorp
Classification: Uncertain significance for Autosomal recessive limb-girdle muscular dystrophy type 2Q; Epidermolysis bullosa simplex, Ogna type; Epidermolysis bullosa simplex with nail dystrophy; Epidermolysis bullosa simplex 5C, with pyloric atresia; Epidermolysis bullosa simplex 5B, with muscular dystrophy. Last evaluated: 2023-09-22. Review status: criteria provided, single submitter. Criteria: Invitae Variant Classification Sherloc (09022015). Collection method: clinical testing. Allele origin: germline.
Comment: In summary, the available evidence is currently insufficient to determine the role of this variant in disease. Therefore, it has been classified as a Variant of Uncertain Significance. An algorithm developed to predict the effect of missense changes on protein structure and function (PolyPhen-2) suggests that this variant is likely to be tolerated. This variant has not been reported in the literature in individuals affected with PLEC-related conditions. This variant is not present in population databases (gnomAD no frequency). This sequence change replaces alanine, which is neutral and non-polar, with glycine, which is neutral and non-polar, at codon 2648 of the PLEC protein (p.Ala2648Gly).